The following is an entry in ClinVar:

ClinVar aggregate classification (germline): Benign (1 of 4 stars; one submission).

Conditions:
Melanoma-pancreatic cancer syndrome. Identifiers: Orphanet 404560, MedGen C1838547, MONDO:0011713, OMIM 606719. Disease mechanism: loss of function.

Submission:

Myriad Genetics, Inc.
Classification: Benign for Melanoma-pancreatic cancer syndrome. Last evaluated: 2025-08-18. Review status: criteria provided, single submitter. Criteria: Myriad Autosomal Dominant, Autosomal Recessive and X-Linked Classification Criteria (2023). Collection method: clinical testing. Allele origin: unknown.
Comment: This variant is considered benign. This variant is intronic and is not expected to impact mRNA splicing.

NM_000077.5(CDKN2A):c.458-26G>T

Gene: CDKN2A (cyclin dependent kinase inhibitor 2A; minus strand). Cytogenetic location: 9p21.3.
Variant type: single nucleotide variant.
Coding change: c.458-26G>T on transcript NM_000077.5 (MANE Select); 26 bases into the intron before coding-DNA position 458, G replaced by T.
Molecular consequence: intron variant.
Genome position (GRCh38, 1-based): chr9:21,968,268, C>A on the plus strand (G>T on the coding strand, the complement: CDKN2A is on the minus strand). VCF-style: chr9-21968268-C-A. GRCh37 (hg19) VCF-style: chr9-21968267-C-A.
Other names: c.305-26G>T (NM_001363763.2); c.*102-26G>T (NM_058195.4); c.*151-26G>T (NM_001195132.2); c.*381-26G>T (NM_058197.5).
Identifiers: ClinVar variation 4294157 (VCV004294157.1).
Genomic context (GRCh38, chr9:21,968,268, plus strand): 5'-CTCAGAGCCTCTCTGGTTCTTTCAATCGGGGATGTCTGCAGAGGGCAGAAAGAAAACAGG[C>A]GTTAGAAACCTGAGGTCAAAGATGTGTGGCACATCCCGCCCTCCTCTCTTGCCGTCCCTA-3'